The following is an entry in ClinVar:

ClinVar aggregate classification (germline): other. Review status: no assertion criteria provided (0 of 4 stars). 2 submissions from 2 submitters: other (1). 1 of the submissions does not count toward it. Last evaluated 2016-05-01.
ClinVar aggregate classification (somatic clinical impact): Tier II - Potential (1 of 4 stars; one submission).

Conditions:
Uterine leiomyoma (UL). Also called: Uterine corpus leiomyoma. Identifiers: MedGen C0042133, MONDO:0007886, OMIM 150699, HP:0000131.
Nephroblastoma. Also called: Wilms' tumor; Wilms tumor. Identifiers: Orphanet 654, MedGen C0027708, MeSH D009396, MONDO:0006058, HP:0002667.
Diffuse pediatric-type high-grade glioma, H3-wildtype and IDH-wildtype. Identifiers: MedGen C5669918, MONDO:0858939.

Allele frequency attached by ClinVar (database versions not stated): ExAC 0.00003.

Submissions (3):

Institute for Genomic Medicine (IGM) Clinical Laboratory, Nationwide Children's Hospital
Classification: Tier II - Potential for Diffuse pediatric-type high-grade glioma, H3-wildtype and IDH-wildtype. Assertion type: diagnostic. Clinical significance: supports diagnosis. Last evaluated: 2024-07-02. Review status: criteria provided, single submitter. Criteria: AMP/ASCO/CAP Guidelines, 2017. Collection method: clinical testing. Allele origin: somatic. Affected: yes.
Comment: Variant has Tier II (potential) clinical significance as a diagnostic inclusion criterion in diffuse pediatric-type high-grade glioma, H3-wildtype and IDH-wildtype, based on the following evidence: 1) Documented in one or more cancer databases (e.g., St. Jude Pecan, COSMIC, CIViC, OncoKB). 2) Information in the literature supports potential biologic effect of variant (PMIDs: 24746821, 32046450). 3) Assists in diagnosis alone or along with other biomarkers based on small studies or few case reports (Evidence Level D; PMIDs: 24746821, 26018969, 28771672, 26822237).

Donald Williams Parsons Laboratory, Baylor College of Medicine
Classification: other for WILMS TUMOR. Last evaluated: 2016-05-01. Review status: no assertion criteria provided. Collection method: clinical testing. Allele origin: somatic. Inheritance: Somatic mutation. Affected: yes. Study: CSER-BASIC3.

Rajkovic Lab, University of Pittsburgh
No classification provided. Condition: Leiomyoma, uterine. Review status: no classification provided. Collection method: not provided. Allele origin: somatic. Not counted in ClinVar's aggregate classification.
ClinVar note: Converted during submission from Associated with leiomyomas to not provided.

Literature cited by the submitters: PubMed 24746821 (cited by Institute for Genomic Medicine (IGM) Clinical Laboratory, Nationwide Children's Hospital); PubMed 32046450 (cited by Institute for Genomic Medicine (IGM) Clinical Laboratory, Nationwide Children's Hospital); PubMed 26018969 (cited by Institute for Genomic Medicine (IGM) Clinical Laboratory, Nationwide Children's Hospital); PubMed 28771672 (cited by Institute for Genomic Medicine (IGM) Clinical Laboratory, Nationwide Children's Hospital); PubMed 26822237 (cited by Institute for Genomic Medicine (IGM) Clinical Laboratory, Nationwide Children's Hospital and Donald Williams Parsons Laboratory, Baylor College of Medicine).

NM_005120.3(MED12):c.131G>A (p.Gly44Asp)

Gene: MED12 (mediator complex subunit 12; plus strand). Cytogenetic location: Xq13.1.
Variant type: single nucleotide variant.
Coding change: c.131G>A on transcript NM_005120.3 (MANE Select); coding-DNA position 131, G replaced by A.
Protein change: p.Gly44Asp; replaces glycine 44 with aspartic acid.
Molecular consequence: missense variant.
Genome position (GRCh38, 1-based): chrX:71,119,404, G>A. VCF-style: chrX-71119404-G-A. GRCh37 (hg19) VCF-style: chrX-70339254-G-A.
Other names: short protein forms G44D.
Identifiers: ClinVar variation 92220 (VCV000092220.3), dbSNP rs199469672, ClinGen allele CA145569.